The following is an entry in ClinVar:

NM_000455.5(STK11):c.*16+18C>T

Gene: STK11 (serine/threonine kinase 11; plus strand). Cytogenetic location: 19p13.3.
Variant type: single nucleotide variant.
Coding change: c.*16+18C>T on transcript NM_000455.5 (MANE Select); 18 bases into the intron after 16 bases downstream of the stop codon, C replaced by T.
Molecular consequence: intron variant.
Genome position (GRCh38, 1-based): chr19:1,226,681, C>T. VCF-style: chr19-1226681-C-T. GRCh37 (hg19) VCF-style: chr19-1226680-C-T.
Identifiers: ClinVar variation 388087 (VCV000388087.1), dbSNP rs1057522995, ClinGen allele CA16608101.

ClinVar aggregate classification (germline): Likely benign (1 of 4 stars; one submission).

Allele frequency attached by ClinVar (database versions not stated): TOPMed below 0.00001; gnomAD 0.00001.
gnomAD v4.1: 1 of 1,476,244 alleles (0.000068%); highest among the groups gnomAD compares: Non-Finnish European, 0.000089%; no homozygotes.

Submission:

GeneDx
Classification: Likely benign. Last evaluated: 2016-07-25. Review status: criteria provided, single submitter. Criteria: GeneDx Variant Classification (06012015). Collection method: clinical testing. Allele origin: germline. Affected: yes.
Comment: This variant is considered likely benign or benign based on one or more of the following criteria: it is a conservative change, it occurs at a poorly conserved position in the protein, it is predicted to be benign by multiple in silico algorithms, and/or has population frequency not consistent with disease.